The following is an entry in ClinVar:

ClinVar aggregate classification (germline): Uncertain significance (1 of 4 stars; one submission).

Conditions:
Charcot-Marie-Tooth disease type 2B (CMT2B). Also called: HEREDITARY MOTOR AND SENSORY NEUROPATHY IIB; Charcot-Marie-Tooth Neuropathy Type 2B; CHARCOT-MARIE-TOOTH DISEASE, AXONAL, TYPE 2B; CHARCOT-MARIE-TOOTH DISEASE, AUTOSOMAL DOMINANT, TYPE 2B. Identifiers: Orphanet 99936, MedGen C1833219, MONDO:0010949, OMIM 600882.

gnomAD v4.1: 1 of 1,614,174 alleles (0.000062%); highest among the groups gnomAD compares: South Asian, 0.0011%; no homozygotes.

Submission:

Labcorp Genetics (formerly Invitae), Labcorp
Classification: Uncertain significance for Charcot-Marie-Tooth disease type 2B. Last evaluated: 2024-09-06. Review status: criteria provided, single submitter. Criteria: Invitae Variant Classification Sherloc (09022015). Collection method: clinical testing. Allele origin: germline.
Comment: This sequence change replaces serine, which is neutral and polar, with arginine, which is basic and polar, at codon 204 of the RAB7A protein (p.Ser204Arg). This variant is not present in population databases (gnomAD no frequency). This variant has not been reported in the literature in individuals affected with RAB7A-related conditions. An algorithm developed to predict the effect of missense changes on protein structure and function (PolyPhen-2) suggests that this variant is likely to be tolerated. Algorithms developed to predict the effect of sequence changes on RNA splicing suggest that this variant may create or strengthen a splice site. In summary, the available evidence is currently insufficient to determine the role of this variant in disease. Therefore, it has been classified as a Variant of Uncertain Significance.

NM_004637.6(RAB7A):c.612C>G (p.Ser204Arg)

Genes: RAB7A (RAB7A, member RAS oncogene family; plus strand), LOC112872299 (Sharpr-MPRA regulatory region 6458; plus strand). Cytogenetic location: 3q21.3.
Variant type: single nucleotide variant.
Coding change: c.612C>G on transcript NM_004637.6 (MANE Select); coding-DNA position 612, C replaced by G.
Protein change: p.Ser204Arg; replaces serine 204 with arginine.
Molecular consequence: missense variant.
Genome position (GRCh38, 1-based): chr3:128,813,410, C>G. VCF-style: chr3-128813410-C-G. GRCh37 (hg19) VCF-style: chr3-128532253-C-G.
Other names: short protein forms S204R.
Identifiers: ClinVar variation 3661960 (VCV003661960.2).
Genomic context (GRCh38, chr3:128,813,410, plus strand): 5'-CGAATTTCCTGAACCTATCAAACTGGACAAGAATGACCGGGCCAAGGCCTCGGCAGAAAG[C>G]TGCAGTTGCTGAGGGGGCAGTGAGAGTTGAGCACAGAGTCCTTCACAAACCAAGAACACA-3'
Protein context (NP_004628.4, residues 194-207): KNDRAKASAE[Ser204Arg]CSC